The following is an entry in ClinVar:

NM_000238.4(KCNH2):c.1524C>A (p.Phe508Leu)

Gene: KCNH2 (potassium voltage-gated channel subfamily H member 2; minus strand). Cytogenetic location: 7q36.1.
Variant type: single nucleotide variant.
Coding change: c.1524C>A on transcript NM_000238.4 (MANE Select); coding-DNA position 1524, C replaced by A.
Protein change: p.Phe508Leu; replaces phenylalanine 508 with leucine.
Molecular consequence: missense variant.
Genome position (GRCh38, 1-based): chr7:150,952,458, G>T on the plus strand (C>A on the coding strand, the complement: KCNH2 is on the minus strand). VCF-style: chr7-150952458-G-T. GRCh37 (hg19) VCF-style: chr7-150649546-G-T.
Other names: c.504C>A, p.Phe168Leu (NM_001204798.2, NM_172057.3); c.1236C>A, p.Phe412Leu (NM_001406753.1, NM_001406756.1); c.1347C>A, p.Phe449Leu (NM_001406755.1); c.1224C>A, p.Phe408Leu (NM_001406757.1); c.1524C>A, p.Phe508Leu (NM_172056.3); short protein forms F168L, F508L, F408L, F449L, F412L.
Identifiers: ClinVar variation 1386951 (VCV001386951.9), dbSNP rs555601424, ClinGen allele CA369859528.

ClinVar aggregate classification (germline): Uncertain significance (1 of 4 stars; one submission).

Conditions:
Long QT syndrome (LQTS). Identifiers: MedGen C0023976, MeSH D008133, MONDO:0002442. Disease mechanism: loss of function. Inheritance: Various modes of inheritance.

Submission:

Labcorp Genetics (formerly Invitae), Labcorp
Classification: Uncertain significance for Long QT syndrome. Last evaluated: 2021-04-16. Review status: criteria provided, single submitter. Criteria: Invitae Variant Classification Sherloc (09022015). Collection method: clinical testing. Allele origin: germline.
Comment: This sequence change replaces phenylalanine with leucine at codon 508 of the KCNH2 protein (p.Phe508Leu). The phenylalanine residue is highly conserved and there is a small physicochemical difference between phenylalanine and leucine. This variant is not present in population databases (ExAC no frequency). This variant has not been reported in the literature in individuals with KCNH2-related conditions. Algorithms developed to predict the effect of missense changes on protein structure and function are either unavailable or do not agree on the potential impact of this missense change (SIFT: "Deleterious"; PolyPhen-2: "Benign"; Align-GVGD: "Class C15"). Algorithms developed to predict the effect of sequence changes on RNA splicing suggest that this variant may create or strengthen a splice site, but this prediction has not been confirmed by published transcriptional studies. In summary, the available evidence is currently insufficient to determine the role of this variant in disease. Therefore, it has been classified as a Variant of Uncertain Significance.